The following is an entry in ClinVar:

NM_012330.4(KAT6B):c.3763G>A (p.Gly1255Ser)

Gene: KAT6B (lysine acetyltransferase 6B; plus strand). Cytogenetic location: 10q22.2.
Variant type: single nucleotide variant.
Coding change: c.3763G>A on transcript NM_012330.4 (MANE Select); coding-DNA position 3763, G replaced by A.
Protein change: p.Gly1255Ser; replaces glycine 1255 with serine.
Molecular consequence: missense variant.
Genome position (GRCh38, 1-based): chr10:75,028,587, G>A. VCF-style: chr10-75028587-G-A. GRCh37 (hg19) VCF-style: chr10-76788345-G-A.
Other names: c.3214G>A, p.Gly1072Ser (NM_001256468.2, NM_001370138.1); c.2887G>A, p.Gly963Ser (NM_001256469.2, NM_001370139.1, NM_001370140.1 and 2 more transcripts); c.2725G>A, p.Gly909Ser (NM_001370132.1); c.2074G>A, p.Gly692Ser (NM_001370133.1); c.1678G>A, p.Gly560Ser (NM_001370134.1); c.1420G>A, p.Gly474Ser (NM_001370135.1); c.3763G>A, p.Gly1255Ser (NM_001370136.1, NM_001370137.1); c.2698G>A, p.Gly900Ser (NM_001370143.1, NM_001370144.1); short protein forms G474S, G692S, G909S, G560S, G900S, G1072S, G1255S, G963S.
Identifiers: ClinVar variation 3007958 (VCV003007958.4), dbSNP rs147574112, ClinGen allele CA5564900.
Genomic context (GRCh38, chr10:75,028,587, plus strand): 5'-AGTAAAGACAATCCCGAACCTCTAAAGTGCAAACAAGTGTGGCCAAAAGGAACAAAGCGC[G>A]GTCTATCTAAGTGGAGGCAAAACAAAGAGAGGAAGACCGGATTTAAACTGAATTTGTACA-3'
Protein context (NP_036462.2, residues 1245-1265): KQVWPKGTKR[Gly1255Ser]LSKWRQNKER

ClinVar aggregate classification (germline): Uncertain significance. Review status: criteria provided, multiple submitters, no conflicts (2 of 4 stars). 2 submissions from 2 submitters: Uncertain significance (2). Last evaluated 2025-12-13.

Conditions:
Genitopatellar syndrome (GTPTS). Also called: ABSENT PATELLAE, SCROTAL HYPOPLASIA, RENAL ANOMALIES, FACIAL DYSMORPHISM, AND MENTAL RETARDATION; Genitopatellar syndrome (GPS). Identifiers: Orphanet 85201, MedGen C1853566, MONDO:0011640, OMIM 606170.
Blepharophimosis - intellectual disability syndrome, SBBYS type (SBBYSS). Also called: Young Simpson syndrome; Mental retardation unusual facies hypothyroidism; Ohdo syndrome, SBBYS variant; SBBYSS syndrome; Say-Barber-Biesecker-Young-Simpson syndrome; Say-Barber-Biesecker-Young-Simpson variant of Ohdo Syndrome. Identifiers: Orphanet 3047, MedGen C1863557, MONDO:0011365, OMIM 603736.

gnomAD v4.1: 20 of 1,614,010 alleles (0.0012%); highest among the groups gnomAD compares: South Asian, 0.0077%; no homozygotes.

Submissions (2):

Labcorp Genetics (formerly Invitae), Labcorp
Classification: Uncertain significance for Genitopatellar syndrome. Last evaluated: 2025-12-13. Review status: criteria provided, single submitter. Criteria: Invitae Variant Classification Sherloc (09022015). Collection method: clinical testing. Allele origin: germline.
Comment: This sequence change replaces glycine, which is neutral and non-polar, with serine, which is neutral and polar, at codon 1255 of the KAT6B protein (p.Gly1255Ser). This variant is present in population databases (rs147574112, gnomAD 0.004%). This variant has not been reported in the literature in individuals affected with KAT6B-related conditions. ClinVar contains an entry for this variant (Variation ID: 3007958). Invitae Evidence Modeling of protein sequence and biophysical properties (such as structural, functional, and spatial information, amino acid conservation, physicochemical variation, residue mobility, and thermodynamic stability) indicates that this missense variant is not expected to disrupt KAT6B protein function with a negative predictive value of 80%. In summary, the available evidence is currently insufficient to determine the role of this variant in disease. Therefore, it has been classified as a Variant of Uncertain Significance.

Fulgent Genetics
Classification: Uncertain significance for Blepharophimosis - intellectual disability syndrome, SBBYS type; Genitopatellar syndrome. Last evaluated: 2024-05-20. Review status: criteria provided, single submitter. Criteria: ACMG Guidelines, 2015. Collection method: clinical testing. Allele origin: germline.